The following is an entry in ClinVar:

NM_177438.3(DICER1):c.3195G>T (p.Leu1065Phe)

Gene: DICER1 (dicer 1, ribonuclease III; minus strand). Cytogenetic location: 14q32.13.
Variant type: single nucleotide variant.
Coding change: c.3195G>T on transcript NM_177438.3 (MANE Select); coding-DNA position 3195, G replaced by T.
Protein change: p.Leu1065Phe; replaces leucine 1065 with phenylalanine.
Molecular consequence: missense variant.
Genome position (GRCh38, 1-based): chr14:95,105,145, C>A on the plus strand (G>T on the coding strand, the complement: DICER1 is on the minus strand). VCF-style: chr14-95105145-C-A. GRCh37 (hg19) VCF-style: chr14-95571482-C-A.
Other names: c.3195G>T, p.Leu1065Phe (NM_001195573.1, NM_001271282.3, NM_001291628.2 and 1 more transcripts); short protein forms L1065F.
Identifiers: ClinVar variation 823133 (VCV000823133.4), dbSNP rs1595370791, ClinGen allele CA390876559.
Genomic context (GRCh38, chr14:95,105,145, plus strand): 5'-AAGTGATCTGACTCCCACGCCAGCATCGCTGGCAGTCTGGGCTCTTAGCTCCTCTGCAGT[C>A]AAAAGGCAGTGAAGGCGATAAAGTATGCTGGGGAGACAAACAGCTTTTCTCCACAGTGAT-3'
Protein context (NP_803187.1, residues 1055-1075): PSILYRLHCL[Leu1065Phe]TAEELRAQTA

ClinVar aggregate classification (germline): Uncertain significance (1 of 4 stars; one submission).

Conditions:
Hereditary cancer-predisposing syndrome. Also called: Tumor predisposition; Hereditary Cancer Syndrome; Neoplastic Syndromes, Hereditary; Hereditary neoplastic syndrome. Identifiers: Orphanet 140162, MedGen C0027672, MeSH D009386, MONDO:0015356.

Submission:

Ambry Genetics
Classification: Uncertain significance for Hereditary cancer-predisposing syndrome. Last evaluated: 2018-12-29. Review status: criteria provided, single submitter. Criteria: Ambry Variant Classification Scheme 2023. Collection method: clinical testing. Allele origin: germline.
Comment: The p.L1065F variant (also known as c.3195G>T), located in coding exon 19 of the DICER1 gene, results from a G to T substitution at nucleotide position 3195. The leucine at codon 1065 is replaced by phenylalanine, an amino acid with highly similar properties. This amino acid position is highly conserved in available vertebrate species. In addition, this alteration is predicted to be deleterious by in silico analysis. Since supporting evidence is limited at this time, the clinical significance of this alteration remains unclear.